The following is an entry in ClinVar:

ClinVar aggregate classification (germline): Uncertain significance. Review status: criteria provided, multiple submitters, no conflicts (2 of 4 stars). 2 submissions from 2 submitters: Uncertain significance (2). Last evaluated 2024-08-23.

Allele frequency attached by ClinVar (database versions not stated): gnomAD 0.00001; gnomAD exomes 0.00001 and 0.00002.
gnomAD v4.1: 27 of 1,613,954 alleles (0.0017%); highest among the groups gnomAD compares: East Asian, 0.0022%; no homozygotes.

Submissions (2):

Women's Health and Genetics/Laboratory Corporation of America, LabCorp
Classification: Uncertain significance. Last evaluated: 2024-08-23. Review status: criteria provided, single submitter. Criteria: LabCorp Variant Classification Summary - May 2015. Collection method: clinical testing. Allele origin: germline.
Comment: Variant summary: CNGB1 c.2540G>A (p.Gly847Glu) results in a non-conservative amino acid change in the encoded protein sequence. Five of five in-silico tools predict a damaging effect of the variant on protein function. The variant allele was found at a frequency of 8e-06 in 249580 control chromosomes. The available data on variant occurrences in the general population are insufficient to allow any conclusion about variant significance. c.2540G>A has been reported in the literature in a compound heterozygous individual affected with Retinitis Pigmentosa (Afshar_2020, Jackson_2022). These data do not allow any conclusion about variant significance. To our knowledge, no experimental evidence demonstrating an impact on protein function has been reported. The following publications have been ascertained in the context of this evaluation (PMID: 31570810, 35743231). ClinVar contains an entry for this variant (Variation ID: 1480320). Based on the evidence outlined above, the variant was classified as uncertain significance.

Labcorp Genetics (formerly Invitae), Labcorp
Classification: Uncertain significance. Last evaluated: 2022-10-24. Review status: criteria provided, single submitter. Criteria: Invitae Variant Classification Sherloc (09022015). Collection method: clinical testing. Allele origin: germline.
Comment: This sequence change replaces glycine, which is neutral and non-polar, with glutamic acid, which is acidic and polar, at codon 847 of the CNGB1 protein (p.Gly847Glu). This variant is present in population databases (no rsID available, gnomAD 0.006%). This missense change has been observed in individual(s) with clinical features of CNGB1-related conditions (PMID: 31570810). ClinVar contains an entry for this variant (Variation ID: 1480320). Advanced modeling of protein sequence and biophysical properties (such as structural, functional, and spatial information, amino acid conservation, physicochemical variation, residue mobility, and thermodynamic stability) performed at Invitae indicates that this missense variant is expected to disrupt CNGB1 protein function. In summary, the available evidence is currently insufficient to determine the role of this variant in disease. Therefore, it has been classified as a Variant of Uncertain Significance.

Literature cited by the submitters: PubMed 31570810 (cited by Women's Health and Genetics/Laboratory Corporation of America, LabCorp and Labcorp Genetics (formerly Invitae), Labcorp); PubMed 35743231 (cited by Women's Health and Genetics/Laboratory Corporation of America, LabCorp).

NM_001297.5(CNGB1):c.2540G>A (p.Gly847Glu)

Gene: CNGB1 (cyclic nucleotide gated channel subunit beta 1; minus strand). Cytogenetic location: 16q21.
Variant type: single nucleotide variant.
Coding change: c.2540G>A on transcript NM_001297.5 (MANE Select); coding-DNA position 2540, G replaced by A.
Protein change: p.Gly847Glu; replaces glycine 847 with glutamic acid.
Molecular consequence: missense variant.
Genome position (GRCh38, 1-based): chr16:57,904,828, C>T on the plus strand (G>A on the coding strand, the complement: CNGB1 is on the minus strand). VCF-style: chr16-57904828-C-T. GRCh37 (hg19) VCF-style: chr16-57938732-C-T.
Other names: c.2522G>A, p.Gly841Glu (NM_001286130.2); short protein forms G841E, G847E.
Identifiers: ClinVar variation 1480320 (VCV001480320.8), dbSNP rs1203085426, ClinGen allele CA396058826.